The following is an entry in ClinVar:

ClinVar aggregate classification (germline): Pathogenic/Likely pathogenic. Review status: criteria provided, multiple submitters, no conflicts (2 of 4 stars). 2 submissions from 2 submitters: Pathogenic (1); Likely pathogenic (1). Last evaluated 2025-10-15.

Conditions:
IDH3B-related disorders.

Submissions (2):

Labcorp Genetics (formerly Invitae), Labcorp
Classification: Pathogenic. Last evaluated: 2025-10-15. Review status: criteria provided, single submitter. Criteria: Invitae Variant Classification Sherloc (09022015). Collection method: clinical testing. Allele origin: germline.
Comment: This sequence change creates a premature translational stop signal (p.Gln39*) in the IDH3B gene. It is expected to result in an absent or disrupted protein product. Loss-of-function variants in IDH3B are known to be pathogenic (PMID: 18806796). This variant is not present in population databases (gnomAD no frequency). This variant has not been reported in the literature in individuals affected with IDH3B-related conditions. For these reasons, this variant has been classified as Pathogenic.

Blueprint Genetics
Classification: Likely pathogenic for IDH3B-related disorders. Last evaluated: 2022-10-27. Review status: criteria provided, single submitter. Criteria: ACMG Guidelines, 2015. Collection method: clinical testing. Allele origin: germline. Affected: yes. Observed: 1 variant allele.

Literature cited by the submitters: PubMed 18806796 (cited by Labcorp Genetics (formerly Invitae), Labcorp).

NM_006899.5(IDH3B):c.115C>T (p.Gln39Ter)

Gene: IDH3B (isocitrate dehydrogenase (NAD(+)) 3 non-catalytic subunit beta; minus strand). Cytogenetic location: 20p13.
Variant type: single nucleotide variant.
Coding change: c.115C>T on transcript NM_006899.5 (MANE Select); coding-DNA position 115, C replaced by T.
Protein change: p.Gln39Ter; replaces glutamine 39 with a stop codon.
Molecular consequence: nonsense. On other transcripts: non-coding transcript variant (1).
Genome position (GRCh38, 1-based): chr20:2,663,927, G>A on the plus strand (C>T on the coding strand, the complement: IDH3B is on the minus strand). VCF-style: chr20-2663927-G-A. GRCh37 (hg19) VCF-style: chr20-2644573-G-A.
Other names: c.115C>T, p.Gln39Ter (NM_001258384.3, NM_001330763.2, NM_174855.4); short protein forms Q39*.
Identifiers: ClinVar variation 4693955 (VCV004693955.2).
Genomic context (GRCh38, chr20:2,663,927, plus strand): 5'-GGGAGCAGCGAGGAAGGGACAGGGTCGTAAGAGAGACCCCAGCCAGATTCGTGCATACCT[G>A]GCTCCGCGATGCAGCGTGCGCCGCGGCCGAGGTACTCAGACCTCTCCATGCCCCAGGGTT-3'